The following is an entry in ClinVar:

ClinVar aggregate classification (germline): Pathogenic/Likely pathogenic. Review status: criteria provided, multiple submitters, no conflicts (2 of 4 stars). 5 submissions from 5 submitters: Pathogenic (2); Likely pathogenic (2). 1 of the submissions does not count toward it. Last evaluated 2025-07-24.

Conditions:
INF2-related disorder. Also called: INF2-related condition.
Focal segmental glomerulosclerosis 5 (FSGS5). Identifiers: Orphanet 656, MedGen C2750475, MONDO:0013191, OMIM 613237.
Charcot-Marie-Tooth disease dominant intermediate E. Also called: CHARCOT-MARIE-TOOTH NEUROPATHY WITH FOCAL SEGMENTAL GLOMERULONEPHRITIS. Identifiers: Orphanet 93114, MedGen C4302667, MONDO:0013758, OMIM 614455.

Allele frequency attached by ClinVar (database versions not stated): gnomAD exomes below 0.00001.
gnomAD v4.1: 1 of 1,613,174 alleles (0.000062%); highest among the groups gnomAD compares: Non-Finnish European, 0.000085%; no homozygotes.

Submissions (5):

Victorian Clinical Genetics Services, Murdoch Childrens Research Institute
Classification: Pathogenic for Focal segmental glomerulosclerosis 5. Last evaluated: 2025-07-24. Review status: criteria provided, single submitter. Criteria: ACMG Guidelines, 2015. Collection method: clinical testing. Allele origin: germline. Affected: yes.
Comment: This variant is classified as Pathogenic. Evidence in support of pathogenic classification: Variant is present in gnomAD <0.001 for a dominant condition (v4: 1 heterozygote(s), 0 homozygote(s)); This variant has strong previous evidence of pathogenicity in unrelated individuals. This variant has been classified as pathogenic and likely pathogenic by clinical laboratories in ClinVar. It has also been reported in the literature, once de novo, in individuals with FSGS (PMID: 26951353, 32604935, 32887937, 31937884); Another missense variant(s) comparable to the one identified in this case has moderate previous evidence for pathogenicity. p.(Arg177His) has been classified as pathogenic by clinical laboratories in ClinVar; Missense variant predicted to be damaging by in silico tool(s) or highly conserved with a major amino acid change. Additional information: Variant is predicted to result in a missense amino acid change from arginine to cysteine; This variant is heterozygous; This gene is associated with autosomal dominant disease; Alternative amino acid change(s) at the same position are present in gnomAD (Highest allele count: v4: 2 heterozygote(s), 0 homozygote(s)); Variant is located in the annotated diaphanous FH3 domain (DECIPHER); The mechanism of disease for this gene is not clearly established. However, both loss of function and gain of function have been suggested (PMID: 32451589); The condition associated with this gene has incomplete penetrance (PMID: 32451589); Variants in this gene are known to have variable expressivity, with interfamilial and intrafamilial phenotypic variabilities described (PMID: 32451589); Inheritance information for this variant is not currently available in this individual.

Labcorp Genetics (formerly Invitae), Labcorp
Classification: Pathogenic for Charcot-Marie-Tooth disease dominant intermediate E; Focal segmental glomerulosclerosis 5. Last evaluated: 2025-06-24. Review status: criteria provided, single submitter. Criteria: Invitae Variant Classification Sherloc (09022015). Collection method: clinical testing. Allele origin: germline.
Comment: This sequence change replaces arginine, which is basic and polar, with cysteine, which is neutral and slightly polar, at codon 177 of the INF2 protein (p.Arg177Cys). This variant is not present in population databases (gnomAD no frequency). This missense change has been observed in individual(s) with focal segmental glomerulosclerosis (PMID: 23014460, 26951353, 31937884, 32359821). In at least one individual the variant was observed to be de novo. ClinVar contains an entry for this variant (Variation ID: 807433). Invitae Evidence Modeling of protein sequence and biophysical properties (such as structural, functional, and spatial information, amino acid conservation, physicochemical variation, residue mobility, and thermodynamic stability) indicates that this missense variant is expected to disrupt INF2 protein function with a positive predictive value of 95%. For these reasons, this variant has been classified as Pathogenic.

3billion
Classification: Likely pathogenic for Focal segmental glomerulosclerosis 5. Last evaluated: 2023-09-21. Review status: criteria provided, single submitter. Criteria: ACMG Guidelines, 2015. Collection method: clinical testing. Allele origin: germline. Affected: yes.
Comment: The variant is not observed in the gnomAD v2.1.1 dataset. Predicted Consequence/Location: Missense changes are a common disease-causing mechanism. In silico tool predictions suggest damaging effect of the variant on gene or gene product [REVEL: 0.88 (>=0.6, sensitivity 0.68 and specificity 0.92); 3Cnet: 0.98 (>=0.6, sensitivity 0.72 and precision 0.9)]. Same nucleotide change resulting in same amino acid change has been previously reported to be associated with INF2 related disorder (ClinVar ID: VCV000807433 /PMID: 23014460 /3billion dataset). Different missense changes at the same codon (p.Arg177His, p.Arg177Pro) have been reported to be associated with INF2 related disorder (ClinVar ID: VCV000562270, VCV000562407 /PMID: 21258034, 30586318). Therefore, this variant is classified as Likely pathogenic according to the recommendation of ACMG/AMP guideline.

Institute of Human Genetics Munich, TUM University Hospital
Classification: Likely pathogenic for Focal segmental glomerulosclerosis 5. Last evaluated: 2018-01-25. Review status: criteria provided, single submitter. Criteria: Classification criteria August 2017. Collection method: clinical testing. Allele origin: germline. Inheritance: Autosomal dominant inheritance. Affected: yes. Observed: 1 heterozygote.

PreventionGenetics, part of Exact Sciences
Classification: Pathogenic for INF2-related condition. Last evaluated: 2024-06-13. Review status: no assertion criteria provided. Collection method: clinical testing. Allele origin: germline. Not counted in ClinVar's aggregate classification.
Comment: The INF2 c.529C>T variant is predicted to result in the amino acid substitution p.Arg177Cys. This variant has been reported in individuals with focal segmental glomerulosclerosis (FSGS) (see for example, Table 2, Barua et al. 2013. PubMed ID: 23014460; Table S3, Wang et al. 2019. PubMed ID: 31308072; Table S2, Park et al. 2020. PubMed ID: 32604935; Table 1, Braunisch et al. 2020. PubMed ID: 32887937; Table 1, Nagano et al. 2022. PubMed ID: 36176665). Alternative missense variants (p.Arg177His; p.Arg177Pro) have been reported in individuals with FSGS (Boyer et al. 2011. PubMed ID: 21258034; Groopman et al. 2019. PubMed ID: 30586318) suggesting that substitution of amino acid residue p.Arg177 is not tolerated. This variant has not been reported in a large population database, indicating this variant is rare. This variant is interpreted as pathogenic.

Literature cited by the submitters: PubMed 31937884 (cited by Victorian Clinical Genetics Services, Murdoch Childrens Research Institute and Labcorp Genetics (formerly Invitae), Labcorp); PubMed 32887937 (cited by Victorian Clinical Genetics Services, Murdoch Childrens Research Institute); PubMed 32451589 (cited by Victorian Clinical Genetics Services, Murdoch Childrens Research Institute); PubMed 32604935 (cited by Victorian Clinical Genetics Services, Murdoch Childrens Research Institute); PubMed 26951353 (cited by Victorian Clinical Genetics Services, Murdoch Childrens Research Institute and Labcorp Genetics (formerly Invitae), Labcorp); PubMed 23014460 (cited by Labcorp Genetics (formerly Invitae), Labcorp and 3billion); PubMed 32359821 (cited by Labcorp Genetics (formerly Invitae), Labcorp); PubMed 21258034 (cited by 3billion).

NM_022489.4(INF2):c.529C>T (p.Arg177Cys)

Gene: INF2 (inverted formin 2; plus strand). Cytogenetic location: 14q32.33.
Variant type: single nucleotide variant.
Coding change: c.529C>T on transcript NM_022489.4 (MANE Select); coding-DNA position 529, C replaced by T.
Protein change: p.Arg177Cys; replaces arginine 177 with cysteine.
Molecular consequence: missense variant.
Genome position (GRCh38, 1-based): chr14:104,703,316, C>T. VCF-style: chr14-104703316-C-T. GRCh37 (hg19) VCF-style: chr14-105169653-C-T.
Other names: c.529C>T (NM_022489.3); c.529C>T, p.Arg177Cys (NM_001031714.4, NM_032714.3); short protein forms R177C.
Identifiers: ClinVar variation 807433 (VCV000807433.7), dbSNP rs1595166085, ClinGen allele CA391213198.
Genomic context (GRCh38, chr14:104,703,316, plus strand): 5'-TCCCTGCCTGGGTGTGCCCTGACCCCGCCCTCCCCACAGACGGTGTGCAGCCAGCAGTAC[C>T]GCTTCAGCATTGTCATGAACGAGCTCTCCGGCAGCGACAACGTGCCCTACGTGGTCACCC-3'
Protein context (NP_071934.3, residues 167-187): HYKTVCSQQY[Arg177Cys]FSIVMNELSG